The following is an entry in ClinVar:

ClinVar aggregate classification (germline): Pathogenic/Likely pathogenic. Review status: criteria provided, multiple submitters, no conflicts (2 of 4 stars). 4 submissions from 4 submitters: Pathogenic (2); Likely pathogenic (1). 1 of the submissions does not count toward it. Last evaluated 2025-08-06.

Conditions:
Autosomal recessive inherited pseudoxanthoma elasticum (PXE). Identifiers: Orphanet 758, MedGen CN032334, MONDO:0009925, OMIM 264800.
ABCC6-related disorder. Also called: ABCC6-related condition.

Submissions (4):

GeneDx
Classification: Pathogenic. Last evaluated: 2025-08-06. Review status: criteria provided, single submitter. Criteria: GeneDx Variant Classification Process June 2021. Collection method: clinical testing. Allele origin: germline. Affected: yes.
Comment: Canonical splice site variant predicted to result in a null allele in a gene for which loss of function is a known mechanism of disease; Not observed at significant frequency in large population cohorts (gnomAD); This variant is associated with the following publications: (PMID: 35261845, 16835894, 32664777)

Revvity Omics, Revvity
Classification: Pathogenic. Last evaluated: 2022-09-09. Review status: criteria provided, single submitter. Criteria: ACMG Guidelines, 2015. Collection method: clinical testing. Allele origin: germline.

Blueprint Genetics
Classification: Likely pathogenic for ABCC6-related disorders. Last evaluated: 2018-07-31. Review status: criteria provided, single submitter. Criteria: ACMG Guidelines, 2015. Collection method: clinical testing. Allele origin: germline. Affected: yes. Observed: 1 variant allele.

PXE International
Classification: Likely pathogenic for Autosomal recessive inherited pseudoxanthoma elasticum. Last evaluated: 2021-03-02. Review status: no assertion criteria provided. Collection method: research. Allele origin: germline. Inheritance: Autosomal recessive inheritance. Affected: yes. Not counted in ClinVar's aggregate classification.

Literature cited by the submitters: PubMed 16835894 (cited by PXE International).

NM_001171.6(ABCC6):c.3506+2_3506+5del

Gene: ABCC6 (ATP binding cassette subfamily C member 6; minus strand). Cytogenetic location: 16p13.11.
Variant type: Deletion.
Coding change: c.3506+2_3506+5del on transcript NM_001171.6 (MANE Select); the canonical splice donor site of the intron after coding-DNA position 3506 through 5 bases into the intron after coding-DNA position 3506, 4 bases deleted (TAGG; older notation c.3506+2_3506+5delTAGG).
Molecular consequence: splice donor variant.
Genome position (GRCh38, 1-based): chr16:16,162,988-16,162,991, CCTA deleted on the plus strand (TAGG on the coding strand, the reverse complement: ABCC6 is on the minus strand); deleting any 4 consecutive bases within chr16:16,162,988-16,162,994 gives the same sequence; the c. name uses the placement nearest the transcript's 3' end. VCF-style (leftmost placement, unchanged base first): chr16-16162987-TCCTA-T. GRCh37 (hg19) VCF-style: chr16-16256844-TCCTA-T.
Other names: c.3164+2_3164+5del (NM_001351800.1); c.3506+2_3506+5del (NM_001171.5).
Identifiers: ClinVar variation 433390 (VCV000433390.10), dbSNP rs72664211, ClinGen allele CA7925567.